The following is an entry in ClinVar:

NM_001134363.3(RBM20):c.1519G>A (p.Gly507Arg)

Gene: RBM20 (RNA binding motif protein 20; plus strand). Cytogenetic location: 10q25.2.
Variant type: single nucleotide variant.
Coding change: c.1519G>A on transcript NM_001134363.3 (MANE Select); coding-DNA position 1519, G replaced by A.
Protein change: p.Gly507Arg; replaces glycine 507 with arginine.
Molecular consequence: missense variant.
Genome position (GRCh38, 1-based): chr10:110,784,881, G>A. VCF-style: chr10-110784881-G-A. GRCh37 (hg19) VCF-style: chr10-112544639-G-A.
Other names: short protein forms G507R.
Identifiers: ClinVar variation 165035 (VCV000165035.5), dbSNP rs727503386, ClinGen allele CA177694.
Genomic context (GRCh38, chr10:110,784,881, plus strand): 5'-GTGCCCATTCCAGCAAGGTCATTCACTCAGTCAAGCCCCACATTTCCTTTGGCTTCTGTG[G>A]GGACAACTGTGAGTACGGAAACATTTTCTCTAGAAATTAATGAAAATGATTATTAGTTTA-3'
Protein context (NP_001127835.2, residues 497-517): SSPTFPLASV[Gly507Arg]TTFAQRKGAG

ClinVar aggregate classification (germline): Uncertain significance (1 of 4 stars; one submission).

Submission:

Laboratory for Molecular Medicine, Mass General Brigham Personalized Medicine
Classification: Uncertain significance. Last evaluated: 2014-01-24. Review status: criteria provided, single submitter. Criteria: LMM Criteria. Collection method: clinical testing. Allele origin: germline. Observed: 1 variant allele.
Comment: The Gly507Arg variant in RBM20 has not been reported in individuals with cardiom yopathy or in large population studies. Computational analyses are limited or un available for this variant. Additional information is needed to fully assess the clinical significance of the Gly507Arg variant.